The following is an entry in ClinVar:

ClinVar aggregate classification (germline): Uncertain significance (1 of 4 stars; one submission).

Submission:

CeGaT Center for Human Genetics Tuebingen
Classification: Uncertain significance. Last evaluated: 2023-09-01. Review status: criteria provided, single submitter. Criteria: CeGaT Center For Human Genetics Tuebingen Variant Classification Criteria Version 2. Collection method: clinical testing. Allele origin: germline. Affected: yes. Observed: 2 variant alleles.
Comment: ABCB4: PM2, PVS1:Moderate, PP4

NM_000443.4(ABCB4):c.2317-1G>T

Gene: ABCB4 (ATP binding cassette subfamily B member 4; minus strand). Cytogenetic location: 7q21.12.
Variant type: single nucleotide variant.
Coding change: c.2317-1G>T on transcript NM_000443.4 (MANE Select); the canonical splice acceptor site of the intron before coding-DNA position 2317, G replaced by T.
Molecular consequence: splice acceptor variant.
Genome position (GRCh38, 1-based): chr7:87,420,076, C>A on the plus strand (G>T on the coding strand, the complement: ABCB4 is on the minus strand). VCF-style: chr7-87420076-C-A. GRCh37 (hg19) VCF-style: chr7-87049392-C-A.
Other names: c.2317-1G>T (NM_018850.3, NM_018849.3).
Identifiers: ClinVar variation 2499047 (VCV002499047.28), dbSNP rs2546779883, ClinGen allele CA368062853.